The following is an entry in ClinVar:

ClinVar aggregate classification (germline): Uncertain significance (1 of 4 stars; one submission).

Conditions:
Inborn genetic diseases. Identifiers: MedGen C0950123, MeSH D030342.

Submission:

Ambry Genetics
Classification: Uncertain significance for Inborn genetic diseases. Last evaluated: 2021-12-10. Review status: criteria provided, single submitter. Criteria: Ambry Variant Classification Scheme 2023. Collection method: clinical testing. Allele origin: germline.
Comment: The p.E170D variant (also known as c.510A>C), located in coding exon 4 of the ATR gene, results from an A to C substitution at nucleotide position 510. The glutamic acid at codon 170 is replaced by aspartic acid, an amino acid with highly similar properties. This amino acid position is conserved. In addition, this alteration is predicted to be tolerated by in silico analysis. Since supporting evidence is limited at this time, the clinical significance of this alteration remains unclear.

NM_001184.4(ATR):c.510A>C (p.Glu170Asp)

Gene: ATR (ATR checkpoint kinase; minus strand). Cytogenetic location: 3q23.
Variant type: single nucleotide variant.
Coding change: c.510A>C on transcript NM_001184.4 (MANE Select); coding-DNA position 510, A replaced by C.
Protein change: p.Glu170Asp; replaces glutamic acid 170 with aspartic acid.
Molecular consequence: missense variant.
Genome position (GRCh38, 1-based): chr3:142,562,892, T>G on the plus strand (A>C on the coding strand, the complement: ATR is on the minus strand). VCF-style: chr3-142562892-T-G. GRCh37 (hg19) VCF-style: chr3-142281734-T-G.
Other names: c.510A>C, p.Glu170Asp (NM_001354579.2); short protein forms E170D.
Identifiers: ClinVar variation 1745383 (VCV001745383.2), dbSNP rs1577703939, ClinGen allele CA354826674.